The following is an entry in ClinVar:

NM_000038.6(APC):c.555C>A (p.Thr185=)

Gene: APC (APC regulator of Wnt signaling pathway; plus strand). Cytogenetic location: 5q22.2.
Variant type: single nucleotide variant.
Coding change: c.555C>A on transcript NM_000038.6 (MANE Select); coding-DNA position 555, C replaced by A.
Protein change: p.Thr185=; no amino-acid change (threonine 185 retained).
Molecular consequence: synonymous variant. On other transcripts: 5 prime UTR variant (4), non-coding transcript variant (2).
Genome position (GRCh38, 1-based): chr5:112,780,813, C>A. VCF-style: chr5-112780813-C-A. GRCh37 (hg19) VCF-style: chr5-112116510-C-A.
Other names: c.555C>A, p.Thr185= (NM_001127510.3, NM_001354895.2, NM_001354896.2 and 16 more transcripts); c.585C>A, p.Thr195= (NM_001127511.3, NM_001354897.2, NM_001354902.2 and 1 more transcripts); c.480C>A, p.Thr160= (NM_001354898.2, NM_001354904.2, NM_001407451.1); c.378C>A, p.Thr126= (NM_001354900.2, NM_001354901.2, NM_001354905.2 and 1 more transcripts); c.-481C>A (NM_001354906.2, NM_001407470.1, NM_001407471.1 and 1 more transcripts).
Identifiers: ClinVar variation 3148251 (VCV003148251.1), dbSNP rs1287296038, ClinGen allele CA445755487.

ClinVar aggregate classification (germline): Benign (1 of 4 stars; one submission).

Conditions:
Familial adenomatous polyposis 1 (FAP1). Also called: POLYPOSIS, ADENOMATOUS INTESTINAL; FAMILIAL ADENOMATOUS POLYPOSIS 1, ATTENUATED. Identifiers: MedGen C2713442, MONDO:0021056, OMIM 175100. Disease mechanism: loss of function.

Submission:

Myriad Genetics, Inc.
Classification: Benign for Familial adenomatous polyposis 1. Last evaluated: 2024-02-23. Review status: criteria provided, single submitter. Criteria: Myriad Autosomal Dominant, Autosomal Recessive and X-Linked Classification Criteria (2023). Collection method: clinical testing. Allele origin: unknown.
Comment: This variant is considered benign. This variant is a silent/synonymous amino acid change and it is not expected to impact splicing.